The following is an entry in ClinVar:

NM_000238.4(KCNH2):c.2890C>G (p.Pro964Ala)

Gene: KCNH2 (potassium voltage-gated channel subfamily H member 2; minus strand). Cytogenetic location: 7q36.1.
Variant type: single nucleotide variant.
Coding change: c.2890C>G on transcript NM_000238.4 (MANE Select); coding-DNA position 2890, C replaced by G.
Protein change: p.Pro964Ala; replaces proline 964 with alanine.
Molecular consequence: missense variant.
Genome position (GRCh38, 1-based): chr7:150,947,681, G>C on the plus strand (C>G on the coding strand, the complement: KCNH2 is on the minus strand). VCF-style: chr7-150947681-G-C. GRCh37 (hg19) VCF-style: chr7-150644769-G-C.
Other names: c.1870C>G, p.Pro624Ala (NM_172057.3); short protein forms P624A, P964A.
Identifiers: ClinVar variation 359307 (VCV000359307.14), dbSNP rs886062087, ClinGen allele CA10628480.

ClinVar aggregate classification (germline): Uncertain significance. Review status: criteria provided, multiple submitters, no conflicts (2 of 4 stars). 2 submissions from 2 submitters: Uncertain significance (2). Last evaluated 2020-06-16.

Conditions:
Long QT syndrome 2 (LQT2). Identifiers: Orphanet 101016, Orphanet 768, MedGen C3150943, MONDO:0013367, OMIM 613688.
Long QT syndrome (LQTS). Identifiers: MedGen C0023976, MeSH D008133, MONDO:0002442. Disease mechanism: loss of function. Inheritance: Various modes of inheritance.

Submissions (2):

Labcorp Genetics (formerly Invitae), Labcorp
Classification: Uncertain significance for Long QT syndrome. Last evaluated: 2020-06-16. Review status: criteria provided, single submitter. Criteria: Invitae Variant Classification Sherloc (09022015). Collection method: clinical testing. Allele origin: germline.
Comment: This sequence change replaces proline with alanine at codon 964 of the KCNH2 protein (p.Pro964Ala). The proline residue is weakly conserved and there is a small physicochemical difference between proline and alanine. This variant is not present in population databases (ExAC no frequency). This variant has not been reported in the literature in individuals with KCNH2-related conditions. ClinVar contains an entry for this variant (Variation ID: 359307). Algorithms developed to predict the effect of missense changes on protein structure and function (SIFT, PolyPhen-2, Align-GVGD) all suggest that this variant is likely to be tolerated, but these predictions have not been confirmed by published functional studies and their clinical significance is uncertain. In summary, the available evidence is currently insufficient to determine the role of this variant in disease. Therefore, it has been classified as a Variant of Uncertain Significance.

Illumina Laboratory Services, Illumina
Classification: Uncertain significance for Long QT syndrome 2. Last evaluated: 2018-01-12. Review status: criteria provided, single submitter. Criteria: ICSL Variant Classification Criteria 13 December 2019. Collection method: clinical testing. Allele origin: germline.